The following is an entry in ClinVar:

NM_020765.3(UBR4):c.15009-175C>T

Genes: UBR4 (ubiquitin protein ligase E3 component n-recognin 4; minus strand), LOC126805640 (P300/CBP strongly-dependent group 1 enhancer GRCh37_chr1:19407589-19408788; plus strand). Cytogenetic location: 1p36.13.
Variant type: single nucleotide variant.
Coding change: c.15009-175C>T on transcript NM_020765.3 (MANE Select); 175 bases into the intron before coding-DNA position 15009, C replaced by T.
Molecular consequence: intron variant.
Genome position (GRCh38, 1-based): chr1:19,081,748, G>A on the plus strand (C>T on the coding strand, the complement: UBR4 is on the minus strand). VCF-style: chr1-19081748-G-A. GRCh37 (hg19) VCF-style: chr1-19408242-G-A.
Identifiers: ClinVar variation 2638411 (VCV002638411.24), dbSNP rs202139279, ClinGen allele CA648041.

ClinVar aggregate classification (germline): Benign (1 of 4 stars; one submission).

Allele frequency attached by ClinVar (database versions not stated): ExAC 0.00044.
gnomAD v4.1: 713 of 767,634 alleles (0.093%); highest among the groups gnomAD compares: Non-Finnish European, 0.14%; no homozygotes.

Submission:

CeGaT Center for Human Genetics Tuebingen
Classification: Benign. Last evaluated: 2022-05-01. Review status: criteria provided, single submitter. Criteria: CeGaT Center For Human Genetics Tuebingen Variant Classification Criteria Version 2. Collection method: clinical testing. Allele origin: germline. Affected: yes. Observed: 1 variant allele.
Comment: UBR4: BS1, BS2